The following is an entry in ClinVar:

NM_000553.6(WRN):c.2604G>A (p.Trp868Ter)

Gene: WRN (WRN RecQ like helicase; plus strand). Cytogenetic location: 8p12.
Variant type: single nucleotide variant.
Coding change: c.2604G>A on transcript NM_000553.6 (MANE Select); coding-DNA position 2604, G replaced by A.
Protein change: p.Trp868Ter; replaces tryptophan 868 with a stop codon.
Molecular consequence: nonsense.
Genome position (GRCh38, 1-based): chr8:31,120,398, G>A. VCF-style: chr8-31120398-G-A. GRCh37 (hg19) VCF-style: chr8-30977914-G-A.
Other names: short protein forms W868*.
Identifiers: ClinVar variation 528134 (VCV000528134.5), dbSNP rs1554528411, ClinGen allele CA370915746.

ClinVar aggregate classification (germline): Pathogenic (1 of 4 stars; one submission).

Conditions:
Werner syndrome (WRN). Identifiers: Orphanet 902, MedGen C0043119, MONDO:0010196, OMIM 277700.

Submission:

Labcorp Genetics (formerly Invitae), Labcorp
Classification: Pathogenic for Werner syndrome. Last evaluated: 2022-09-01. Review status: criteria provided, single submitter. Criteria: Invitae Variant Classification Sherloc (09022015). Collection method: clinical testing. Allele origin: germline.
Comment: This sequence change creates a premature translational stop signal (p.Trp868*) in the WRN gene. It is expected to result in an absent or disrupted protein product. Loss-of-function variants in WRN are known to be pathogenic (PMID: 16673358). For these reasons, this variant has been classified as Pathogenic. ClinVar contains an entry for this variant (Variation ID: 528134). This variant has not been reported in the literature in individuals affected with WRN-related conditions. This variant is not present in population databases (gnomAD no frequency).

Literature cited by the submitters: PubMed 16673358.